The following is an entry in ClinVar:

NM_001278669.2(NFATC1):c.2010C>T (p.Ser670=)

Gene: NFATC1 (nuclear factor of activated T cells 1; plus strand). Cytogenetic location: 18q23.
Variant type: single nucleotide variant.
Coding change: c.2010C>T on transcript NM_001278669.2 (MANE Select); coding-DNA position 2010, C replaced by T.
Protein change: p.Ser670=; no amino-acid change (serine 670 retained).
Molecular consequence: synonymous variant.
Genome position (GRCh38, 1-based): chr18:79,467,500, C>T. VCF-style: chr18-79467500-C-T. GRCh37 (hg19) VCF-style: chr18-77227500-C-T.
Other names: c.2010C>T, p.Ser670= (NM_001278670.2, NM_006162.5, NM_172390.3); c.1971C>T, p.Ser657= (NM_001278672.2, NM_001278675.2, NM_172387.3 and 1 more transcripts); c.594C>T, p.Ser198= (NM_001278673.2, NM_172388.3).
Identifiers: ClinVar variation 3043330 (VCV003043330.2), dbSNP rs377750921, ClinGen allele CA9009460.

ClinVar aggregate classification (germline): Likely benign (0 of 4 stars; one submission).

Conditions:
NFATC1-related disorder. Also called: NFATC1-related condition.

gnomAD v4.1: 121 of 1,613,200 alleles (0.0075%); highest among the groups gnomAD compares: Non-Finnish European, 0.0089%; no homozygotes.

Submission:

PreventionGenetics, part of Exact Sciences
Classification: Likely benign for NFATC1-related condition. Last evaluated: 2019-06-23. Review status: no assertion criteria provided. Collection method: clinical testing. Allele origin: germline.
Comment: This variant is classified as likely benign based on ACMG/AMP sequence variant interpretation guidelines (Richards et al. 2015 PMID: 25741868, with internal and published modifications).